The following is an entry in ClinVar:

NM_003060.4(SLC22A5):c.807A>G (p.Leu269=)

Gene: SLC22A5 (solute carrier family 22 member 5; plus strand). Cytogenetic location: 5q31.1.
Variant type: single nucleotide variant.
Coding change: c.807A>G on transcript NM_003060.4 (MANE Select); coding-DNA position 807, A replaced by G.
Protein change: p.Leu269=; no amino-acid change (leucine 269 retained).
Molecular consequence: synonymous variant.
Genome position (GRCh38, 1-based): chr5:132,385,482, A>G. VCF-style: chr5-132385482-A-G. GRCh37 (hg19) VCF-style: chr5-131721174-A-G.
Other names: p.Leu269=; c.879A>G, p.Leu293= (NM_001308122.2).
Identifiers: ClinVar variation 94101 (VCV000094101.39), dbSNP rs274558, ClinGen allele CA147623.

ClinVar aggregate classification (germline): Benign. Review status: criteria provided, multiple submitters, no conflicts (2 of 4 stars). 14 submissions from 14 submitters: Benign (11). 3 of the submissions do not count toward it. Last evaluated 2026-02-04.

Conditions:
Renal carnitine transport defect (CDSP). Also called: CARNITINE DEFICIENCY, SYSTEMIC, DUE TO DEFECT IN RENAL REABSORPTION OF CARNITINE; CARNITINE TRANSPORTER, PLASMA-MEMBRANE, DEFICIENCY OF; CARNITINE UPTAKE DEFECT; Primary carnitine deficiency; Systemic primary carnitine deficiency disease; Carnitine transporter deficiency. Identifiers: Orphanet 158, MedGen C0342788, MONDO:0008919, OMIM 212140.

Allele frequency attached by ClinVar (database versions not stated): ESP Exome Variant Server 0.37829; TOPMed 0.38465; gnomAD 0.39440 and 0.40711; gnomAD exomes 0.40398 and 0.43520; ExAC 0.43925; 1000 Genomes Project 30x 0.47564; 1000 Genomes Project 0.48622.
gnomAD v4.1: 652,750 of 1,613,282 alleles (40%); highest among the groups gnomAD compares: East Asian, 67%; 137,840 homozygotes.

Submissions (14):

Labcorp Genetics (formerly Invitae), Labcorp
Classification: Benign for Renal carnitine transport defect. Last evaluated: 2026-02-04. Review status: criteria provided, single submitter. Criteria: Invitae Variant Classification Sherloc (09022015). Collection method: clinical testing. Allele origin: germline.

Blueprint Genetics
Classification: Benign. Last evaluated: 2024-11-26. Review status: criteria provided, single submitter. Criteria: ACMG Guidelines, 2015. Collection method: clinical testing. Allele origin: germline.

Mayo Clinic Laboratories, Mayo Clinic
Classification: Benign. Last evaluated: 2022-04-26. Review status: criteria provided, single submitter. Criteria: ACMG Guidelines, 2015. Collection method: clinical testing. Allele origin: germline. Observed: 1,132 variant alleles.

ARUP Laboratories, Molecular Genetics and Genomics, ARUP Laboratories
Classification: Benign for Renal carnitine transport defect. Last evaluated: 2021-10-20. Review status: criteria provided, single submitter. Criteria: ARUP Molecular Germline Variant Investigation Process 2021. Collection method: clinical testing. Allele origin: germline.

Genome-Nilou Lab
Classification: Benign for Renal carnitine transport defect. Last evaluated: 2021-07-15. Review status: criteria provided, single submitter. Criteria: ACMG Guidelines, 2015. Collection method: clinical testing. Allele origin: germline. Affected: no.

Pars Genome Lab
Classification: Benign for Renal carnitine transport defect. Last evaluated: 2021-06-15. Review status: criteria provided, single submitter. Criteria: ACMG Guidelines, 2015. Collection method: clinical testing. Allele origin: germline. Affected: no.

Illumina Laboratory Services, Illumina
Classification: Benign for Renal carnitine transport defect. Last evaluated: 2018-01-13. Review status: criteria provided, single submitter. Criteria: ICSL Variant Classification Criteria 13 December 2019. Collection method: clinical testing. Allele origin: germline.
Comment: This variant was observed in the ICSL laboratory as part of a predisposition screen in an ostensibly healthy population. It had not been previously curated by ICSL or reported in the Human Gene Mutation Database (HGMD: prior to June 1st, 2018), and was therefore a candidate for classification through an automated scoring system. Utilizing variant allele frequency, disease prevalence and penetrance estimates, and inheritance mode, an automated score was calculated to assess if this variant is too frequent to cause the disease. Based on the score and internal cut-off values, a variant classified as benign is not then subjected to further curation. The score for this variant resulted in a classification of benign for this disease.

Eurofins Ntd Llc (ga)
Classification: Benign. Last evaluated: 2017-12-07. Review status: criteria provided, single submitter. Criteria: EGL Classification Definitions 2015. Collection method: clinical testing. Allele origin: germline. Observed: 82 variant alleles, 62 heterozygotes, 20 homozygotes.

Phosphorus, Inc.
Classification: Benign for Renal carnitine transport defect. Last evaluated: 2017-08-01. Review status: criteria provided, single submitter. Criteria: ACMG Guidelines, 2015. Collection method: clinical testing. Allele origin: germline. Observed: 13 variant alleles.

Women's Health and Genetics/Laboratory Corporation of America, LabCorp
Classification: Benign. Last evaluated: 2016-04-18. Review status: criteria provided, single submitter. Criteria: LabCorp Variant Classification Summary - May 2015. Collection method: clinical testing. Allele origin: germline.
Comment: Variant summary: The c.807A>G variant affects a non-conserved nucleotide, resulting in synonymous amino acid change. Mutatation Taster predicts polymorphism outcome for this variant. 5/5 splice-site tools via Alamut predict that this variant does not affect the consensus splice donor site though it may create a cryptic splice donor site as predicted by 3/5 tools. However, in silico prediction results are not definite and there are no functional studies to confirm this. This variant is found in 53257/121244 control chromosomes (12476 homozygotes) from the large and broad populations of ExAC at a frequency of 0.4392547, which is about 96 times greater than the maximal expected frequency of a pathogenic allele (0.0045644) in this gene. Thus this variant is a common polymorphism found in general population. In one family, this variant was found in cis with a potentially pathogenic variant p.Leu476Arg in homozygous state in two affected siblings and was found in homozygous state in the unaffected father of the siblings (Mutlu-Albayrak_2015) -- an evidence of lack of cosegregation which further supports the benign outcome. One clinical laboratory has classified this variant as benign. Taken together, this variant has been classified as Benign.

GeneDx
Classification: Benign. Last evaluated: 2015-03-03. Review status: criteria provided, single submitter. Criteria: GeneDx Variant Classification Process June 2021. Collection method: clinical testing. Allele origin: germline. Affected: yes.

Natera, Inc.
Classification: Benign for Primary systemic carnitine deficiency. Last evaluated: 2020-09-16. Review status: no assertion criteria provided. Collection method: clinical testing. Allele origin: germline. Not counted in ClinVar's aggregate classification.

Diagnostic Laboratory, Department of Genetics, University Medical Center Groningen
Classification: Benign. Review status: no assertion criteria provided. Collection method: clinical testing. Allele origin: germline. Affected: yes. Study: VKGL Data-share Consensus. Not counted in ClinVar's aggregate classification.

Joint Genome Diagnostic Labs from Nijmegen and Maastricht, Radboudumc and MUMC+
Classification: Benign. Review status: no assertion criteria provided. Collection method: clinical testing. Allele origin: germline. Affected: yes. Study: VKGL Data-share Consensus. Not counted in ClinVar's aggregate classification.

Literature cited by the submitters: PubMed 23757202 (cited by Phosphorus, Inc.); PubMed 26075114 (cited by Phosphorus, Inc. and Women's Health and Genetics/Laboratory Corporation of America, LabCorp); PubMed 20208395 (cited by Women's Health and Genetics/Laboratory Corporation of America, LabCorp).